The following is an entry in ClinVar:

NM_020884.7(MYH7B):c.5563_5565del (p.Lys1855del)

Gene: MYH7B (myosin heavy chain 7B; plus strand). Cytogenetic location: 20q11.22.
Variant type: Deletion.
Coding change: c.5563_5565del on transcript NM_020884.7 (MANE Select); coding-DNA positions 5563 to 5565, 3 bases deleted (AAG; older notation c.5563_5565delAAG).
Protein change: p.Lys1855del; deletes lysine 1855.
Genome position (GRCh38, 1-based): chr20:35,001,332-35,001,334, AAG deleted. VCF-style (leftmost placement, unchanged base first): chr20-35001331-CAAG-C. GRCh37 (hg19) VCF-style: chr20-33589134-CAAG-C.
Other names: short protein forms K1855del.
Identifiers: ClinVar variation 4760393 (VCV004760393.1).

ClinVar aggregate classification (germline): Uncertain significance (1 of 4 stars; one submission).

Submission:

Labcorp Genetics (formerly Invitae), Labcorp
Classification: Uncertain significance. Last evaluated: 2025-05-13. Review status: criteria provided, single submitter. Criteria: Invitae Variant Classification Sherloc (09022015). Collection method: clinical testing. Allele origin: germline.
Comment: This variant, c.5689_5691del, results in the deletion of 1 amino acid(s) of the MYH7B protein (p.Lys1897del), but otherwise preserves the integrity of the reading frame. This variant is present in population databases (no rsID available, gnomAD 0.003%). This variant has not been reported in the literature in individuals affected with MYH7B-related conditions. Experimental studies and prediction algorithms are not available or were not evaluated, and the functional significance of this variant is currently unknown. In summary, the available evidence is currently insufficient to determine the role of this variant in disease. Therefore, it has been classified as a Variant of Uncertain Significance.